The following is an entry in ClinVar:

NC_000015.9:g.(?_100516230)_(100516447_?)del

Gene: ADAMTS17 (ADAM metallopeptidase with thrombospondin type 1 motif 17; minus strand). Cytogenetic location: 15q26.3.
Variant type: Deletion.
Identifiers: ClinVar variation 1458329 (VCV001458329.5).

ClinVar aggregate classification (germline): Pathogenic (1 of 4 stars; one submission).

Submission:

Labcorp Genetics (formerly Invitae), Labcorp
Classification: Pathogenic. Last evaluated: 2022-08-31. Review status: criteria provided, single submitter. Criteria: Invitae Variant Classification Sherloc (09022015). Collection method: clinical testing. Allele origin: germline.
Comment: For these reasons, this variant has been classified as Pathogenic. This variant disrupts a region of the ADAMTS17 protein in which other variant(s) (p.Cys1023Tyr) have been determined to be pathogenic (PMID: 32616716). This suggests that this is a clinically significant region of the protein, and that variants that disrupt it are likely to be disease-causing. This variant has not been reported in the literature in individuals affected with ADAMTS17-related conditions. This variant is a gross deletion of the genomic region encompassing exon(s) 21 of the ADAMTS17 gene. While this deletion is not anticipated to lead to nonsense mediated decay, it is expected to disrupt the C-terminus of the protein.

Literature cited by the submitters: PubMed 32616716.